The following is an entry in ClinVar:

ClinVar aggregate classification (germline): Uncertain significance (1 of 4 stars; one submission).

gnomAD v4.1: 1 of 1,606,274 alleles (0.000062%); highest among the groups gnomAD compares: Non-Finnish European, 0.000085%; no homozygotes.

Submission:

GeneDx
Classification: Uncertain significance. Last evaluated: 2025-04-21. Review status: criteria provided, single submitter. Criteria: GeneDx Variant Classification Process June 2021. Collection method: clinical testing. Allele origin: germline. Affected: yes.
Comment: Not observed at significant frequency in large population cohorts (gnomAD); In silico analysis supports that this missense variant has a deleterious effect on protein structure/function; Has not been previously published as pathogenic or benign to our knowledge

NM_021614.4(KCNN2):c.1786G>A (p.Gly596Ser)

Genes: KCNN2 (potassium calcium-activated channel subfamily N member 2; plus strand), LOC101927078 (uncharacterized LOC101927078; minus strand). Cytogenetic location: 5q22.3.
Variant type: single nucleotide variant.
Coding change: c.1786G>A on transcript NM_021614.4 (MANE Select); coding-DNA position 1786, G replaced by A.
Protein change: p.Gly596Ser; replaces glycine 596 with serine.
Molecular consequence: missense variant. On other transcripts: non-coding transcript variant (2).
Genome position (GRCh38, 1-based): chr5:114,473,060, G>A. VCF-style: chr5-114473060-G-A. GRCh37 (hg19) VCF-style: chr5-113808757-G-A.
Other names: c.1984G>A, p.Gly662Ser (NM_001372233.1); c.106G>A, p.Gly36Ser (NM_170775.3); short protein forms G36S, G596S, G662S.
Identifiers: ClinVar variation 4527327 (VCV004527327.1).